The following is an entry in ClinVar:

NM_000261.2(MYOC):c.728C>A (p.Thr243Asn)

Gene: MYOC (myocilin; minus strand). Cytogenetic location: 1q24.3.
Variant type: single nucleotide variant.
Coding change: c.728C>A on transcript NM_000261.2 (MANE Select); coding-DNA position 728, C replaced by A.
Protein change: p.Thr243Asn; replaces threonine 243 with asparagine.
Molecular consequence: missense variant.
Genome position (GRCh38, 1-based): chr1:171,638,599, G>T on the plus strand (C>A on the coding strand, the complement: MYOC is on the minus strand). VCF-style: chr1-171638599-G-T. GRCh37 (hg19) VCF-style: chr1-171607739-G-T.
Other names: NM_000261.2(MYOC):c.728C>A; p.Thr243Asn; short protein forms T243N.
Identifiers: ClinVar variation 293714 (VCV000293714.7), dbSNP rs781655611, ClinGen allele CA1244183.

ClinVar aggregate classification (germline): Uncertain significance. Review status: reviewed by expert panel (3 of 4 stars). 3 submissions from 2 submitters: Uncertain significance (1). 2 of the submissions do not count toward it. Last evaluated 2025-10-08.

Conditions:
Open-angle glaucoma. Identifiers: MedGen C0017612, MONDO:0005338, HP:0012108.
Glaucoma 1, open angle, A (GLC1A). Also called: Glaucoma, Dominant (Juvenile Onset). Identifiers: Orphanet 98977, MedGen C1842028, MONDO:0007664, OMIM 137750.
Glaucoma. Identifiers: MedGen C0017601, MONDO:0005041, HP:0000501.

Allele frequency attached by ClinVar (database versions not stated): gnomAD exomes below 0.00001; ExAC 0.00001; TOPMed 0.00002.
gnomAD v4.1: 6 of 1,614,086 alleles (0.00037%); highest among the groups gnomAD compares: Non-Finnish European, 0.00051%; no homozygotes.

Submissions (3):

ClinGen Glaucoma Variant Curation Expert Panel
Classification: Uncertain significance for Open-angle glaucoma. Last evaluated: 2025-10-08. Review status: reviewed by expert panel. Criteria: ClinGen Glaucoma ACMG Specifications V2.0.0 Approved. Collection method: curation. Allele origin: germline. Inheritance: Autosomal dominant inheritance.
Comment: The c.728C>A variant in MYOC is a missense variant predicted to cause substitution of Threonine by Asparagine at amino acid 243 (p.Thr243Asn). The highest minor allele frequency of this variant was in the European (non-Finnish) genetic ancestry group of gnomAD (v4.1.0) = 0.000005085 (6 alleles out of 1,179,948), which met the ≤ 0.0001 threshold set for PM2_Supporting in a genetic ancestry group of at least 10,000 alleles. The REVEL score = 0.082, which was within the 0.017-0.183 range for BP4_Moderate, suggesting that the variant does not impact MYOC function. There was no functional evidence predicting a damaging or benign impact of this variant on MYOC function. This variant was identified in laboratory based testing, but has not yet been found in a proband with juvenile or primary open angle glaucoma. In summary, this variant met the criteria to receive a score of -1 and to be classified as a variant of uncertain significance (uncertain significance classification range -1 to 5, adapted from PMID: 32720330) for primary open angle glaucoma based on the ACMG/AMP criteria met, as specified by the ClinGen Glaucoma VCEP (v2.0.0, 5 Dec 2024): BP4_Moderate, PM2_Supporting

Illumina Laboratory Services, Illumina
Classification: Uncertain significance for Glaucoma 1, open angle, A. Last evaluated: 2018-01-13. Review status: criteria provided, single submitter. Criteria: ICSL Variant Classification Criteria 13 December 2019. Collection method: clinical testing. Allele origin: germline. Not counted in ClinVar's aggregate classification.

Illumina Laboratory Services, Illumina
Classification: Uncertain significance for Glaucoma. Last evaluated: 2018-01-13. Review status: criteria provided, single submitter. Criteria: ICSL Variant Classification Criteria 13 December 2019. Collection method: clinical testing. Allele origin: germline. Not counted in ClinVar's aggregate classification.